The following is an entry in ClinVar:

NM_015910.7(WDPCP):c.75+9T>G

Gene: WDPCP (WD repeat containing planar cell polarity effector; minus strand). Cytogenetic location: 2p15.
Variant type: single nucleotide variant.
Coding change: c.75+9T>G on transcript NM_015910.7 (MANE Select); 9 bases into the intron after coding-DNA position 75, T replaced by G.
Molecular consequence: intron variant.
Genome position (GRCh38, 1-based): chr2:63,588,188, A>C on the plus strand (T>G on the coding strand, the complement: WDPCP is on the minus strand). VCF-style: chr2-63588188-A-C. GRCh37 (hg19) VCF-style: chr2-63815322-A-C.
Other names: c.-250+9T>G (NM_001354044.2); c.75+9T>G (NM_001354045.2).
Identifiers: ClinVar variation 3354536 (VCV003354536.1).

ClinVar aggregate classification (germline): Likely benign (0 of 4 stars; one submission).

Conditions:
WDPCP-related disorder. Also called: WDPCP-related condition.

gnomAD v4.1: 1 of 1,562,154 alleles (0.000064%); highest among the groups gnomAD compares: Non-Finnish European, 0.000087%; no homozygotes.

Submission:

PreventionGenetics, part of Exact Sciences
Classification: Likely benign for WDPCP-related condition. Last evaluated: 2024-05-29. Review status: no assertion criteria provided. Collection method: clinical testing. Allele origin: germline.
Comment: This variant is classified as likely benign based on ACMG/AMP sequence variant interpretation guidelines (Richards et al. 2015 PMID: 25741868, with internal and published modifications).